The following is an entry in ClinVar:

NM_000059.4(BRCA2):c.8853C>A (p.Ala2951=)

Gene: BRCA2 (BRCA2 DNA repair associated; plus strand). Cytogenetic location: 13q13.1.
Variant type: single nucleotide variant.
Coding change: c.8853C>A on transcript NM_000059.4 (MANE Select); coding-DNA position 8853, C replaced by A.
Protein change: p.Ala2951=; no amino-acid change (alanine 2951 retained).
Molecular consequence: synonymous variant.
Genome position (GRCh38, 1-based): chr13:32,379,415, C>A. VCF-style: chr13-32379415-C-A. GRCh37 (hg19) VCF-style: chr13-32953552-C-A.
Identifiers: ClinVar variation 184282 (VCV000184282.6), dbSNP rs786201376, ClinGen allele CA025852.

ClinVar aggregate classification (germline): Likely benign. Review status: reviewed by expert panel (3 of 4 stars). 2 submissions from 2 submitters: Likely benign (1). 1 of the submissions does not count toward it. Last evaluated 2017-06-29.

Conditions:
Hereditary cancer-predisposing syndrome. Also called: Tumor predisposition; Hereditary Cancer Syndrome; Hereditary neoplastic syndrome; Neoplastic Syndromes, Hereditary. Identifiers: Orphanet 140162, MedGen C0027672, MeSH D009386, MONDO:0015356.
Breast-ovarian cancer, familial, susceptibility to, 2 (BROVCA2). Also called: BRCA2 Hereditary Breast and Ovarian Cancer. Identifiers: Orphanet 145, MedGen C2675520, MONDO:0012933, OMIM 612555. Disease mechanism: loss of function.

Submissions (2):

Evidence-based Network for the Interpretation of Germline Mutant Alleles (ENIGMA)
Classification: Likely benign for Breast-ovarian cancer, familial, susceptibility to, 2. Last evaluated: 2017-06-29. Review status: reviewed by expert panel. Criteria: ENIGMA BRCA1/2 Classification Criteria (2017-06-29). Collection method: curation. Allele origin: germline.
Comment: Synonymous substitution variant, with low bioinformatic likelihood to result in a splicing aberration (Splicing prior probability 0.02).

Ambry Genetics
Classification: Likely benign for Hereditary cancer-predisposing syndrome. Last evaluated: 2025-06-24. Review status: criteria provided, single submitter. Criteria: Ambry Variant Classification Scheme 2023. Collection method: clinical testing. Allele origin: germline. Not counted in ClinVar's aggregate classification.